The following is an entry in ClinVar:

NM_004655.4(AXIN2):c.2261C>G (p.Ala754Gly)

Gene: AXIN2 (axin 2; minus strand). Cytogenetic location: 17q24.1.
Variant type: single nucleotide variant.
Coding change: c.2261C>G on transcript NM_004655.4 (MANE Select); coding-DNA position 2261, C replaced by G.
Protein change: p.Ala754Gly; replaces alanine 754 with glycine.
Molecular consequence: missense variant.
Genome position (GRCh38, 1-based): chr17:65,534,056, G>C on the plus strand (C>G on the coding strand, the complement: AXIN2 is on the minus strand). VCF-style: chr17-65534056-G-C. GRCh37 (hg19) VCF-style: chr17-63530174-G-C.
Other names: c.2066C>G, p.Ala689Gly (NM_001363813.1); short protein forms A689G, A754G.
Identifiers: ClinVar variation 1788636 (VCV001788636.2), dbSNP rs746773698, ClinGen allele CA400675630.

ClinVar aggregate classification (germline): Uncertain significance (1 of 4 stars; one submission).

Conditions:
Hereditary cancer-predisposing syndrome. Also called: Hereditary Cancer Syndrome; Hereditary neoplastic syndrome; Tumor predisposition; Neoplastic Syndromes, Hereditary. Identifiers: Orphanet 140162, MedGen C0027672, MeSH D009386, MONDO:0015356.

Submission:

Ambry Genetics
Classification: Uncertain significance for Hereditary cancer-predisposing syndrome. Last evaluated: 2022-09-03. Review status: criteria provided, single submitter. Criteria: Ambry Variant Classification Scheme 2023. Collection method: clinical testing. Allele origin: germline.
Comment: The p.A754G variant (also known as c.2261C>G), located in coding exon 9 of the AXIN2 gene, results from a C to G substitution at nucleotide position 2261. The alanine at codon 754 is replaced by glycine, an amino acid with similar properties. This amino acid position is conserved. In addition, this alteration is predicted to be tolerated by in silico analysis. Since supporting evidence is limited at this time, the clinical significance of this alteration remains unclear.